The following is an entry in ClinVar:

ClinVar aggregate classification (germline): Uncertain significance (1 of 4 stars; one submission).

Conditions:
Bilateral frontoparietal polymicrogyria. Also called: CEREBELLAR ATAXIA WITH NEURONAL MIGRATION DEFECT; CORTICAL DYSPLASIA, COMPLEX, WITH OTHER BRAIN MALFORMATIONS 14A (BILATERAL FRONTOPARIETAL). Identifiers: Orphanet 101070, MedGen C1847352, MONDO:0011738, OMIM 606854.

gnomAD v4.1: 1 of 1,614,174 alleles (0.000062%); highest among the groups gnomAD compares: Non-Finnish European, 0.000085%; no homozygotes.

Submission:

Victorian Clinical Genetics Services, Murdoch Childrens Research Institute
Classification: Uncertain significance for Bilateral frontoparietal polymicrogyria. Last evaluated: 2020-10-19. Review status: criteria provided, single submitter. Criteria: ACMG Guidelines, 2015. Collection method: clinical testing. Allele origin: germline. Inheritance: Autosomal recessive inheritance. Affected: yes.
Comment: Based on the classification scheme VCGS_Germline_v1.3.3, this variant is classified as VUS - 3A. Following criteria are met: 0102 - Loss of function is a known mechanism of disease in this gene and is associated with bilateral frontoparietal polymicrogyria. (I) 0106 - This gene is associated with autosomal recessive disease. (I) 0200 - Variant is predicted to result in a missense amino acid change from cysteine to tyrosine. (I) 0252 - This variant is homozygous. (I) 0304 - Variant is present in gnomAD v1 <0.01 for a recessive condition (1 heterozygote, 0 homozygotes). (SP) 0309 - An alternative amino acid change at the same position has been observed in gnomAD (1 heterozygote, 0 homozygotes). (I) 0501 - Missense variant consistently predicted to be damaging by multiple in silico tools or highly conserved with a major amino acid change. (SP) 0600 - Variant is located in the annotated TM1 helix of the 7tm_GPCRs domain (PDB, NCBI). (I) 0705 - No comparable missense variants have previous evidence for pathogenicity. (I) 0807 - This variant has no previous evidence of pathogenicity. (I) 0905 - No published segregation evidence has been identified for this variant. (I) 1007 - No published functional evidence has been identified for this variant. (I) 1102 - Strong phenotype match for this individual. (I) Legend: (SP) - Supporting pathogenic, (I) - Information, (SB) - Supporting benign

NM_201525.4(ADGRG1):c.1232G>A (p.Cys411Tyr)

Gene: ADGRG1 (adhesion G protein-coupled receptor G1; plus strand). Cytogenetic location: 16q21.
Variant type: single nucleotide variant.
Coding change: c.1232G>A on transcript NM_201525.4 (MANE Select); coding-DNA position 1232, G replaced by A.
Protein change: p.Cys411Tyr; replaces cysteine 411 with tyrosine.
Molecular consequence: missense variant.
Genome position (GRCh38, 1-based): chr16:57,657,437, G>A. VCF-style: chr16-57657437-G-A. GRCh37 (hg19) VCF-style: chr16-57691349-G-A.
Other names: c.1232G>A, p.Cys411Tyr (NM_001145770.3, NM_001145771.3, NM_001145772.3 and 14 more transcripts); c.1247G>A, p.Cys416Tyr (NM_001145773.3, NM_001370433.1); c.722G>A, p.Cys241Tyr (NM_001290142.2); c.707G>A, p.Cys236Tyr (NM_001290143.2, NM_001290144.2, NM_001370451.1 and 2 more transcripts); c.1229G>A, p.Cys410Tyr (NM_001370434.1, NM_001370441.1); c.1076G>A, p.Cys359Tyr (NM_001370442.1); short protein forms C236Y, C241Y, C359Y, C410Y, C411Y, C416Y.
Identifiers: ClinVar variation 1805061 (VCV001805061.1), dbSNP rs763662571, ClinGen allele CA8078690.
Genomic context (GRCh38, chr16:57,657,437, plus strand): 5'-CCTCGGTGGAGGTGGACGCCGTGCACAAGCACTACCTGAGCCTCCTCTCCTACGTGGGCT[G>A]TGTCGTCTCTGCCCTGGCCTGCCTTGTCACCATTGCCGCCTACCTCTGCTCCAGGTGAGG-3'
Protein context (NP_958933.1, residues 401-421): HYLSLLSYVG[Cys411Tyr]VVSALACLVT